The following is an entry in ClinVar:

NM_012188.5(FOXI1):c.131C>T (p.Pro44Leu)

Gene: FOXI1 (forkhead box I1; plus strand). Cytogenetic location: 5q35.1.
Variant type: single nucleotide variant.
Coding change: c.131C>T on transcript NM_012188.5 (MANE Select); coding-DNA position 131, C replaced by T.
Protein change: p.Pro44Leu; replaces proline 44 with leucine.
Molecular consequence: missense variant.
Genome position (GRCh38, 1-based): chr5:170,106,088, C>T. VCF-style: chr5-170106088-C-T. GRCh37 (hg19) VCF-style: chr5-169533092-C-T.
Other names: c.131C>T, p.Pro44Leu (NM_144769.4); short protein forms P44L.
Identifiers: ClinVar variation 776592 (VCV000776592.11), dbSNP rs142009641, ClinGen allele CA3554960.

ClinVar aggregate classification (germline): Likely benign. Review status: criteria provided, single submitter (1 of 4 stars). 2 submissions from 2 submitters: Likely benign (1). 1 of the submissions does not count toward it. Last evaluated 2026-01-14.

Conditions:
FOXI1-related disorder. Also called: FOXI1-related condition.

Allele frequency attached by ClinVar (database versions not stated): gnomAD exomes 0.00009 and 0.00027; ExAC 0.00032; ESP Exome Variant Server 0.00077; gnomAD 0.00108 and 0.00118; 1000 Genomes Project 0.00120; TOPMed 0.00138; 1000 Genomes Project 30x 0.00156.
gnomAD v4.1: 298 of 1,613,486 alleles (0.018%); highest among the groups gnomAD compares: African/African-American, 0.36%; 1 homozygote.

Submissions (2):

Labcorp Genetics (formerly Invitae), Labcorp
Classification: Likely benign. Last evaluated: 2026-01-14. Review status: criteria provided, single submitter. Criteria: Invitae Variant Classification Sherloc (09022015). Collection method: clinical testing. Allele origin: germline.

PreventionGenetics, part of Exact Sciences
Classification: Likely benign for FOXI1-related condition. Last evaluated: 2022-01-22. Review status: no assertion criteria provided. Collection method: clinical testing. Allele origin: germline. Not counted in ClinVar's aggregate classification.
Comment: This variant is classified as likely benign based on ACMG/AMP sequence variant interpretation guidelines (Richards et al. 2015 PMID: 25741868, with internal and published modifications).